The following is an entry in ClinVar:

ClinVar aggregate classification (germline): Uncertain significance. Review status: criteria provided, multiple submitters, no conflicts (2 of 4 stars). 2 submissions from 2 submitters: Uncertain significance (2). Last evaluated 2024-08-29.

Conditions:
Oligodontia-cancer predisposition syndrome. Also called: TOOTH AGENESIS-COLORECTAL CANCER SYNDROME. Identifiers: Orphanet 300576, MedGen C1837750, MONDO:0012075, OMIM 608615. Disease mechanism: loss of function.
Hereditary cancer-predisposing syndrome. Also called: Neoplastic Syndromes, Hereditary; Hereditary Cancer Syndrome; Tumor predisposition; Hereditary neoplastic syndrome. Identifiers: Orphanet 140162, MedGen C0027672, MeSH D009386, MONDO:0015356.

Allele frequency attached by ClinVar (database versions not stated): gnomAD below 0.00001 and 0.00001.
gnomAD v4.1: 1 of 1,582,328 alleles (0.000063%); highest among the groups gnomAD compares: South Asian, 0.0011%; no homozygotes.

Submissions (2):

Ambry Genetics
Classification: Uncertain significance for Hereditary cancer-predisposing syndrome. Last evaluated: 2024-08-29. Review status: criteria provided, single submitter. Criteria: Ambry Variant Classification Scheme 2023. Collection method: clinical testing. Allele origin: germline.
Comment: The p.L426R variant (also known as c.1277T>G), located in coding exon 5 of the AXIN2 gene, results from a T to G substitution at nucleotide position 1277. The leucine at codon 426 is replaced by arginine, an amino acid with dissimilar properties. This variant was detected in a cohort of 1046 familial colorectal cancer cases and not in 1006 control subjects (Raskin L et al. Oncotarget, 2017 Nov;8:93450-93463). This amino acid position is well conserved in available vertebrate species. In addition, the in silico prediction for this alteration is inconclusive. Based on the available evidence, the clinical significance of this variant remains unclear.

Labcorp Genetics (formerly Invitae), Labcorp
Classification: Uncertain significance for Oligodontia-cancer predisposition syndrome. Last evaluated: 2023-10-08. Review status: criteria provided, single submitter. Criteria: Invitae Variant Classification Sherloc (09022015). Collection method: clinical testing. Allele origin: germline.
Comment: This sequence change replaces leucine, which is neutral and non-polar, with arginine, which is basic and polar, at codon 426 of the AXIN2 protein (p.Leu426Arg). This variant is not present in population databases (gnomAD no frequency). This variant has not been reported in the literature in individuals affected with AXIN2-related conditions. ClinVar contains an entry for this variant (Variation ID: 572357). Advanced modeling of protein sequence and biophysical properties (such as structural, functional, and spatial information, amino acid conservation, physicochemical variation, residue mobility, and thermodynamic stability) performed at Invitae indicates that this missense variant is not expected to disrupt AXIN2 protein function. In summary, the available evidence is currently insufficient to determine the role of this variant in disease. Therefore, it has been classified as a Variant of Uncertain Significance.

Literature cited by the submitters: PubMed 29212164 (cited by Ambry Genetics).

NM_004655.4(AXIN2):c.1277T>G (p.Leu426Arg)

Gene: AXIN2 (axin 2; minus strand). Cytogenetic location: 17q24.1.
Variant type: single nucleotide variant.
Coding change: c.1277T>G on transcript NM_004655.4 (MANE Select); coding-DNA position 1277, T replaced by G.
Protein change: p.Leu426Arg; replaces leucine 426 with arginine.
Molecular consequence: missense variant.
Genome position (GRCh38, 1-based): chr17:65,537,759, A>C on the plus strand (T>G on the coding strand, the complement: AXIN2 is on the minus strand). VCF-style: chr17-65537759-A-C. GRCh37 (hg19) VCF-style: chr17-63533877-A-C.
Other names: c.1277T>G (LRG_296t1); c.1277T>G, p.Leu426Arg (NM_001363813.1); short protein forms L426R.
Identifiers: ClinVar variation 572357 (VCV000572357.9), dbSNP rs1567756473, ClinGen allele CA400677830.